The following is an entry in ClinVar:

NC_000009.12:g.(?_127502774)_(127503501_?)del

Gene: LRSAM1 (leucine rich repeat and sterile alpha motif containing 1; plus strand). Cytogenetic location: 9q34.11.
Variant type: Deletion.
Identifiers: ClinVar variation 417428 (VCV000417428.1).

ClinVar aggregate classification (germline): Uncertain significance (1 of 4 stars; one submission).

Conditions:
Charcot-Marie-Tooth disease axonal type 2P. Also called: CHARCOT-MARIE-TOOTH NEUROPATHY, TYPE 2P; Charcot-Marie-Tooth Neuropathy Type 2G; CHARCOT-MARIE-TOOTH DISEASE, AXONAL, TYPE 2G; CMT 2G. Identifiers: Orphanet 300319, Orphanet 99941, MedGen C3280797, MONDO:0013753, OMIM 614436.

Submission:

Labcorp Genetics (formerly Invitae), Labcorp
Classification: Uncertain significance for Charcot-Marie-Tooth disease axonal type 2P. Last evaluated: 2016-11-30. Review status: criteria provided, single submitter. Criteria: Invitae Variant Classification Sherloc (09022015). Collection method: clinical testing. Allele origin: germline.
Comment: This variant is a gross deletion of the genomic region encompassing exon 25 of the LRSAM1 gene. The 5' boundary is likely confined to intron 24. The 3' end of this event is unknown as it extends through the termination codon beyond the assayed region for this gene and may encompass additional genes. While this deletion is not anticipated to result in nonsense mediated decay, it is expected to create a truncated protein product or disrupt mRNA translation. This variant has not been reported in the literature in an individual with a LRSAM1-related disease. In summary, the exact genomic location of this variant is unknown and the impact of this deletion on LRSAM1 protein function has not been established. Therefore, it has been classified as a Variant of Uncertain Significance.